The following is an entry in ClinVar:

NM_000784.4(CYP27A1):c.1109C>T (p.Pro370Leu)

Gene: CYP27A1 (cytochrome P450 family 27 subfamily A member 1; plus strand). Cytogenetic location: 2q35.
Variant type: single nucleotide variant.
Coding change: c.1109C>T on transcript NM_000784.4 (MANE Select); coding-DNA position 1109, C replaced by T.
Protein change: p.Pro370Leu; replaces proline 370 with leucine.
Molecular consequence: missense variant.
Genome position (GRCh38, 1-based): chr2:218,814,112, C>T. VCF-style: chr2-218814112-C-T. GRCh37 (hg19) VCF-style: chr2-219678835-C-T.
Other names: short protein forms P370L.
Identifiers: ClinVar variation 1360006 (VCV001360006.5), dbSNP rs2105980922, ClinGen allele CA350592030.

ClinVar aggregate classification (germline): Uncertain significance (1 of 4 stars; one submission).

Conditions:
Cholestanol storage disease (CTX). Also called: CEREBRAL CHOLESTERINOSIS; CTX: Cerebrotendinous xanthomatosis; Cerebrotendinous Xanthomatosis. Identifiers: Orphanet 909, MedGen C0238052, MONDO:0008948, OMIM 213700.

Submission:

Labcorp Genetics (formerly Invitae), Labcorp
Classification: Uncertain significance for Cholestanol storage disease. Last evaluated: 2021-09-21. Review status: criteria provided, single submitter. Criteria: Invitae Variant Classification Sherloc (09022015). Collection method: clinical testing. Allele origin: germline.
Comment: This variant has not been reported in the literature in individuals affected with CYP27A1-related conditions. Advanced modeling of protein sequence and biophysical properties (such as structural, functional, and spatial information, amino acid conservation, physicochemical variation, residue mobility, and thermodynamic stability) performed at Invitae indicates that this missense variant is not expected to disrupt CYP27A1 protein function. In summary, the available evidence is currently insufficient to determine the role of this variant in disease. Therefore, it has been classified as a Variant of Uncertain Significance. This sequence change replaces proline with leucine at codon 370 of the CYP27A1 protein (p.Pro370Leu). The proline residue is highly conserved and there is a moderate physicochemical difference between proline and leucine. This variant is not present in population databases (ExAC no frequency).